The following is an entry in ClinVar:

ClinVar aggregate classification (germline): Benign (1 of 4 stars; one submission).

Allele frequency attached by ClinVar (database versions not stated): gnomAD 0.02596 and 0.02650; TOPMed 0.02941; 1000 Genomes Project 0.03355; 1000 Genomes Project 30x 0.03545.

Submission:

GeneDx
Classification: Benign. Last evaluated: 2018-06-14. Review status: criteria provided, single submitter. Criteria: GeneDx Variant Classification (06012015). Collection method: clinical testing. Allele origin: germline. Affected: yes.
Comment: This variant is considered likely benign or benign based on one or more of the following criteria: it is a conservative change, it occurs at a poorly conserved position in the protein, it is predicted to be benign by multiple in silico algorithms, and/or has population frequency not consistent with disease.

NM_002635.4(SLC25A3):c.814+227C>T

Gene: SLC25A3 (solute carrier family 25 member 3; plus strand). Cytogenetic location: 12q23.1.
Variant type: single nucleotide variant.
Coding change: c.814+227C>T on transcript NM_002635.4 (MANE Select); 227 bases into the intron after coding-DNA position 814, C replaced by T.
Molecular consequence: intron variant.
Genome position (GRCh38, 1-based): chr12:98,600,354, C>T. VCF-style: chr12-98600354-C-T. GRCh37 (hg19) VCF-style: chr12-98994132-C-T.
Other names: c.814+227C>T (NM_213611.3); c.817+227C>T (NM_005888.4).
Identifiers: ClinVar variation 679102 (VCV000679102.1), dbSNP rs2372392, ClinGen allele CA242241053.